The following is an entry in ClinVar:

ClinVar aggregate classification (germline): Conflicting classifications of pathogenicity. Review status: criteria provided, conflicting classifications (1 of 4 stars). 6 submissions from 6 submitters: Uncertain significance (3); Benign (1); Likely benign (1). 1 of the submissions does not count toward it. Last evaluated 2026-06-16.

Conditions:
NF1-related disorder. Also called: NF1-related condition. Identifiers: MedGen CN379171.
Hereditary cancer-predisposing syndrome. Also called: Neoplastic Syndromes, Hereditary; Hereditary neoplastic syndrome; Hereditary Cancer Syndrome; Tumor predisposition. Identifiers: Orphanet 140162, MedGen C0027672, MeSH D009386, MONDO:0015356.
Cardiovascular phenotype. Identifiers: MedGen CN230736.
Juvenile myelomonocytic leukemia (JMML). Also called: LEUKEMIA, JUVENILE MYELOMONOCYTIC, SOMATIC. Identifiers: Orphanet 86834, MedGen C0349639, MONDO:0011908, OMIM 607785, HP:0012209.
Neurofibromatosis, type 1 (NF1). Also called: VON RECKLINGHAUSEN DISEASE; Neurofibromatosis, type I; Peripheral type neurofibromatosis; NEUROFIBROMATOSIS, TYPE I, SOMATIC. Identifiers: Orphanet 636, MedGen C0027831, MONDO:0018975, OMIM 162200. Disease mechanism: loss of function.

Allele frequency attached by ClinVar (database versions not stated): gnomAD exomes below 0.00001.

Submissions (6):

Ambry Genetics
Classification: Likely benign for Cardiovascular phenotype; Hereditary cancer-predisposing syndrome. Last evaluated: 2026-06-16. Review status: criteria provided, single submitter. Criteria: Ambry Variant Classification Scheme 2023. Collection method: clinical testing. Allele origin: germline.

Labcorp Genetics (formerly Invitae), Labcorp
Classification: Benign for Neurofibromatosis, type 1. Last evaluated: 2025-04-28. Review status: criteria provided, single submitter. Criteria: Invitae Variant Classification Sherloc (09022015). Collection method: clinical testing. Allele origin: germline.

Baylor Genetics
Classification: Uncertain significance for Juvenile myelomonocytic leukemia. Last evaluated: 2024-02-05. Review status: criteria provided, single submitter. Criteria: ACMG Guidelines, 2015. Collection method: clinical testing. Allele origin: unknown.

Genome-Nilou Lab
Classification: Uncertain significance for Neurofibromatosis, type 1. Last evaluated: 2022-03-15. Review status: criteria provided, single submitter. Criteria: ACMG Guidelines, 2015. Collection method: clinical testing. Allele origin: germline. Affected: no.

GeneDx
Classification: Uncertain significance. Last evaluated: 2022-02-03. Review status: criteria provided, single submitter. Criteria: GeneDx Variant Classification Process June 2021. Collection method: clinical testing. Allele origin: germline. Affected: yes.
Comment: In silico analysis supports that this missense variant does not alter protein structure/function; Has not been previously published as pathogenic or benign to our knowledge; This variant is associated with the following publications: (PMID: 25486365)

PreventionGenetics, part of Exact Sciences
Classification: Uncertain significance for NF1-related condition. Last evaluated: 2023-12-22. Review status: no assertion criteria provided. Collection method: clinical testing. Allele origin: germline. Not counted in ClinVar's aggregate classification.
Comment: The NF1 c.2239A>G variant is predicted to result in the amino acid substitution p.Met747Val. A different amino acid substitution at this position (p.Met747Ile), has been reported in a patient with NF1-related disorders (Tong et al. 2012. PubMed ID: 22869071). This variant is reported in 0.00088% of alleles in individuals of European (Non-Finnish) descent in gnomAD. At this time, the clinical significance of this variant is uncertain due to the absence of conclusive functional and genetic evidence.

NM_001042492.3(NF1):c.2239A>G (p.Met747Val)

Gene: NF1 (neurofibromin 1; plus strand). Cytogenetic location: 17q11.2.
Variant type: single nucleotide variant.
Coding change: c.2239A>G on transcript NM_001042492.3 (MANE Select); coding-DNA position 2239, A replaced by G.
Protein change: p.Met747Val; replaces methionine 747 with valine.
Molecular consequence: missense variant.
Genome position (GRCh38, 1-based): chr17:31,226,672, A>G. VCF-style: chr17-31226672-A-G. GRCh37 (hg19) VCF-style: chr17-29553690-A-G.
Other names: c.2239A>G, p.Met747Val (NM_000267.4); short protein forms M747V.
Identifiers: ClinVar variation 484030 (VCV000484030.18), dbSNP rs1471232737, ClinGen allele CA398982568.